The following is an entry in ClinVar:

ClinVar aggregate classification (germline): Likely benign. Review status: criteria provided, multiple submitters, no conflicts (2 of 4 stars). 3 submissions from 3 submitters: Likely benign (3). Last evaluated 2025-05-08.

Conditions:
Cardiovascular phenotype. Identifiers: MedGen CN230736.
Hypertrophic cardiomyopathy 14. Identifiers: MedGen C2750467, MONDO:0013197, OMIM 613251.

Allele frequency attached by ClinVar (database versions not stated): ExAC 0.00002; gnomAD exomes 0.00002; TOPMed 0.00004.
gnomAD v4.1: 30 of 1,614,046 alleles (0.0019%); highest among the groups gnomAD compares: African/African-American, 0.011%; no homozygotes.

Submissions (3):

Labcorp Genetics (formerly Invitae), Labcorp
Classification: Likely benign for Hypertrophic cardiomyopathy 14. Last evaluated: 2025-05-08. Review status: criteria provided, single submitter. Criteria: Invitae Variant Classification Sherloc (09022015). Collection method: clinical testing. Allele origin: germline.

Ambry Genetics
Classification: Likely benign for Cardiovascular phenotype. Last evaluated: 2018-11-02. Review status: criteria provided, single submitter. Criteria: Ambry Variant Classification Scheme 2023. Collection method: clinical testing. Allele origin: germline.

Laboratory for Molecular Medicine, Mass General Brigham Personalized Medicine
Classification: Likely benign. Last evaluated: 2013-01-23. Review status: criteria provided, single submitter. Criteria: LMM Criteria. Collection method: clinical testing. Allele origin: germline. Observed: 1 variant allele.
Comment: Ser1712Ser in exon 34 of MYH6: This variant is not expected to have clinical sig nificance because it does not alter an amino acid residue and is not located wit hin the splice consensus sequence. Ser1712Ser in exon 34 of MYH6 (allele freque ncy = n/a)

NM_002471.4(MYH6):c.5136C>T (p.Ser1712=)

Genes: MYH6 (myosin heavy chain 6; minus strand), LOC126861896 (BRD4-independent group 4 enhancer GRCh37_chr14:23854904-23856103; plus strand). Cytogenetic location: 14q11.2.
Variant type: single nucleotide variant.
Coding change: c.5136C>T on transcript NM_002471.4 (MANE Select); coding-DNA position 5136, C replaced by T.
Protein change: p.Ser1712=; no amino-acid change (serine 1712 retained).
Molecular consequence: synonymous variant.
Genome position (GRCh38, 1-based): chr14:23,385,955, G>A on the plus strand (C>T on the coding strand, the complement: MYH6 is on the minus strand). VCF-style: chr14-23385955-G-A. GRCh37 (hg19) VCF-style: chr14-23855164-G-A.
Identifiers: ClinVar variation 44531 (VCV000044531.14), dbSNP rs397516774, ClinGen allele CA134460.